The following is an entry in ClinVar:

NM_004168.4(SDHA):c.1597C>G (p.Gln533Glu)

Gene: SDHA (succinate dehydrogenase complex flavoprotein subunit A; plus strand). Cytogenetic location: 5p15.33.
Variant type: single nucleotide variant.
Coding change: c.1597C>G on transcript NM_004168.4 (MANE Select); coding-DNA position 1597, C replaced by G.
Protein change: p.Gln533Glu; replaces glutamine 533 with glutamic acid.
Molecular consequence: missense variant. On other transcripts: intron variant (1).
Genome position (GRCh38, 1-based): chr5:251,037, C>G. VCF-style: chr5-251037-C-G. GRCh37 (hg19) VCF-style: chr5-251152-C-G.
Other names: c.1453C>G, p.Gln485Glu (NM_001294332.2); c.1552-3356C>G (NM_001330758.2); short protein forms Q533E, Q485E.
Identifiers: ClinVar variation 412373 (VCV000412373.22), dbSNP rs149367009, ClinGen allele CA3173303.

ClinVar aggregate classification (germline): Uncertain significance. Review status: criteria provided, multiple submitters, no conflicts (2 of 4 stars). 7 submissions from 7 submitters: Uncertain significance (7). Last evaluated 2026-02-05.

Conditions:
SDHA-related disorder. Also called: SDHA-related disorders; SDHA-related condition.
Mitochondrial complex II deficiency, nuclear type 1. Also called: SUCCINATE CoQ REDUCTASE DEFICIENCY. Identifiers: Orphanet 3208, MedGen C5700310, MONDO:0100294, OMIM 252011.
Pheochromocytoma/paraganglioma syndrome 5. Also called: Paragangliomas 5; SDHA-Related Hereditary Paraganglioma-Pheochromocytoma Syndrome. Identifiers: Orphanet 29072, MedGen C3279992, MONDO:0013602, OMIM 614165.
Hereditary cancer-predisposing syndrome. Also called: Neoplastic Syndromes, Hereditary; Tumor predisposition; Hereditary Cancer Syndrome; Hereditary neoplastic syndrome. Identifiers: Orphanet 140162, MedGen C0027672, MeSH D009386, MONDO:0015356.
Dilated cardiomyopathy 1GG (CMD1GG). Identifiers: Orphanet 154, MedGen C3150898, MONDO:0013339, OMIM 613642.

Allele frequency attached by ClinVar (database versions not stated): ExAC 0.00002; gnomAD exomes 0.00002 and 0.00003; gnomAD 0.00007 and 0.00008; ESP Exome Variant Server 0.00008; TOPMed 0.00008.
gnomAD v4.1: 60 of 1,611,862 alleles (0.0037%); highest among the groups gnomAD compares: African/African-American, 0.016%; no homozygotes.

Submissions (7):

Women's Health and Genetics/Laboratory Corporation of America, LabCorp
Classification: Uncertain significance. Last evaluated: 2026-02-05. Review status: criteria provided, single submitter. Criteria: LabCorp Variant Classification Summary - May 2015. Collection method: clinical testing. Allele origin: germline.
Comment: Variant summary: SDHA c.1597C>G (p.Gln533Glu) results in a conservative amino acid change in the encoded protein sequence. Algorithms developed to predict the effect of missense changes on protein structure and function are either unavailable or do not agree on the potential impact of this missense change. The variant allele was found at a frequency of 1.6e-05 in 251142 control chromosomes. The available data on variant occurrences in the general population are insufficient to allow any conclusion about variant significance. c.1597C>G has been observed in individual(s) affected with SDHA-Related Disorders without strong evidence for causality (e.g. Perez_2021). These report(s) do not provide unequivocal conclusions about association of the variant with SDHA-Related Disorders. To our knowledge, no experimental evidence demonstrating an impact on protein function has been reported. The following publication has been ascertained in the context of this evaluation (PMID: 34994613). ClinVar contains an entry for this variant (Variation ID: 412373). Based on the evidence outlined above, the variant was classified as uncertain significance.

Labcorp Genetics (formerly Invitae), Labcorp
Classification: Uncertain significance for Pheochromocytoma/paraganglioma syndrome 5; Mitochondrial complex II deficiency, nuclear type 1. Last evaluated: 2026-01-25. Review status: criteria provided, single submitter. Criteria: Invitae Variant Classification Sherloc (09022015). Collection method: clinical testing. Allele origin: germline.
Comment: This sequence change replaces glutamine, which is neutral and polar, with glutamic acid, which is acidic and polar, at codon 533 of the SDHA protein (p.Gln533Glu). This variant is present in population databases (rs149367009, gnomAD 0.02%). This variant has not been reported in the literature in individuals affected with SDHA-related conditions. ClinVar contains an entry for this variant (Variation ID: 412373). Invitae Evidence Modeling of protein sequence and biophysical properties (such as structural, functional, and spatial information, amino acid conservation, physicochemical variation, residue mobility, and thermodynamic stability) indicates that this missense variant is not expected to disrupt SDHA protein function with a negative predictive value of 95%. In summary, the available evidence is currently insufficient to determine the role of this variant in disease. Therefore, it has been classified as a Variant of Uncertain Significance.

Quest Diagnostics Nichols Institute San Juan Capistrano
Classification: Uncertain significance. Last evaluated: 2025-10-29. Review status: criteria provided, single submitter. Criteria: Quest Diagnostics criteria. Collection method: clinical testing. Allele origin: unknown.
Comment: The SDHA c.1597C>G (p.Gln533Glu) variant has not been reported in individuals with SDHA-related conditions in the published literature. The frequency of this variant in the general population (Genome Aggregation Database) is uninformative in the assessment of its pathogenicity. Analysis of this variant using bioinformatics tools for the prediction of the effect of amino acid changes on protein structure and function yielded predictions that this variant is benign. Based on the available information, we are unable to determine the clinical significance of this variant.

PreventionGenetics, part of Exact Sciences
Classification: Uncertain significance for SDHA-related condition. Last evaluated: 2025-08-14. Review status: criteria provided, single submitter. Criteria: ACMG Guidelines, 2015. Collection method: clinical testing. Allele origin: germline.
Comment: The SDHA c.1597C>G variant is predicted to result in the amino acid substitution p.Gln533Glu. To our knowledge, this variant has not been reported in the literature. This variant is reported in 0.016% of alleles in individuals of African descent in gnomAD and is classified as a variant of uncertain significance in ClinVar (Variation ID: 412373). At this time, the clinical significance of this variant is uncertain due to the absence of conclusive functional and genetic evidence.

Ambry Genetics
Classification: Uncertain significance for Hereditary cancer-predisposing syndrome. Last evaluated: 2025-02-07. Review status: criteria provided, single submitter. Criteria: Ambry Variant Classification Scheme 2023. Collection method: clinical testing. Allele origin: germline.
Comment: The p.Q533E variant (also known as c.1597C>G), located in coding exon 12 of the SDHA gene, results from a C to G substitution at nucleotide position 1597. The glutamine at codon 533 is replaced by glutamic acid, an amino acid with highly similar properties. This amino acid position is not well conserved in available vertebrate species. In addition, this alteration is predicted to be tolerated by in silico analysis. Based on the available evidence, the clinical significance of this variant remains unclear.

GeneDx
Classification: Uncertain significance. Last evaluated: 2025-01-30. Review status: criteria provided, single submitter. Criteria: GeneDx Variant Classification Process June 2021. Collection method: clinical testing. Allele origin: germline.
Comment: In silico analysis indicates that this missense variant does not alter protein structure/function; Has not been previously published as pathogenic or benign to our knowledge

Baylor Genetics
Classification: Uncertain significance for Dilated cardiomyopathy 1GG. Last evaluated: 2023-09-25. Review status: criteria provided, single submitter. Criteria: ACMG Guidelines, 2015. Collection method: clinical testing. Allele origin: unknown.

Literature cited by the submitters: PubMed 34994613 (cited by Women's Health and Genetics/Laboratory Corporation of America, LabCorp).